The following is an entry in ClinVar:

ClinVar aggregate classification (germline): Uncertain significance. Review status: criteria provided, multiple submitters, no conflicts (2 of 4 stars). 3 submissions from 3 submitters: Uncertain significance (3). Last evaluated 2025-09-08.

Conditions:
CLDN1-related disorder. Also called: CLDN1-related condition.

Allele frequency attached by ClinVar (database versions not stated): gnomAD 0.00004 and 0.00005; ESP Exome Variant Server 0.00008; ExAC 0.00012; gnomAD exomes 0.00012; 1000 Genomes Project 0.00040; TOPMed 0.00002; 1000 Genomes Project 30x 0.00047.
gnomAD v4.1: 219 of 1,613,744 alleles (0.014%); highest among the groups gnomAD compares: South Asian, 0.1%; no homozygotes.

Submissions (3):

PreventionGenetics, part of Exact Sciences
Classification: Uncertain significance for CLDN1-related condition. Last evaluated: 2025-09-08. Review status: criteria provided, single submitter. Criteria: ACMG Guidelines, 2015. Collection method: clinical testing. Allele origin: germline.
Comment: The CLDN1 c.631G>A variant is predicted to result in the amino acid substitution p.Val211Met. To our knowledge, this variant has not been reported in the literature. This variant is reported in 0.072% of alleles in individuals of South Asian descent in gnomAD. Although we suspect that this variant may be benign, at this time, the clinical significance of this variant is uncertain due to the absence of conclusive functional and genetic evidence.

Labcorp Genetics (formerly Invitae), Labcorp
Classification: Uncertain significance. Last evaluated: 2024-10-28. Review status: criteria provided, single submitter. Criteria: Invitae Variant Classification Sherloc (09022015). Collection method: clinical testing. Allele origin: germline.
Comment: This sequence change replaces valine, which is neutral and non-polar, with methionine, which is neutral and non-polar, at codon 211 of the CLDN1 protein (p.Val211Met). This variant is present in population databases (rs147881276, gnomAD 0.07%). This variant has not been reported in the literature in individuals affected with CLDN1-related conditions. ClinVar contains an entry for this variant (Variation ID: 502599). Experimental studies and prediction algorithms are not available or were not evaluated, and the functional significance of this variant is currently unknown. In summary, the available evidence is currently insufficient to determine the role of this variant in disease. Therefore, it has been classified as a Variant of Uncertain Significance.

Eurofins Ntd Llc (ga)
Classification: Uncertain significance. Last evaluated: 2017-06-15. Review status: criteria provided, single submitter. Criteria: EGL Classification Definitions 2015. Collection method: clinical testing. Allele origin: germline. Observed: 1 variant allele, 1 heterozygote.

NM_021101.5(CLDN1):c.631G>A (p.Val211Met)

Genes: CLDN1 (claudin 1; minus strand), CLDN16 (claudin 16; plus strand). Cytogenetic location: 3q28.
Variant type: single nucleotide variant.
Coding change: c.631G>A on transcript NM_021101.5 (MANE Select); coding-DNA position 631, G replaced by A.
Protein change: p.Val211Met; replaces valine 211 with methionine.
Molecular consequence: missense variant.
Genome position (GRCh38, 1-based): chr3:190,308,282, C>T on the plus strand (G>A on the coding strand, the complement: CLDN1 is on the minus strand). VCF-style: chr3-190308282-C-T. GRCh37 (hg19) VCF-style: chr3-190026071-C-T.
Other names: c.631G>A (NM_021101.4); short protein forms V211M.
Identifiers: ClinVar variation 502599 (VCV000502599.10), dbSNP rs147881276, ClinGen allele CA2753476.
Genomic context (GRCh38, chr3:190,308,282, plus strand): 5'-TCTCAATGTCCATTTTCGGTTTGTTTCAACATGATTTTCTCCTTTTGCCTCTGTGTCACA[C>T]GTAGTCTTTCCCGCTGGAAGGTGCAGGTTTTGGATAGGGCCTTGGTGTTGGGTAAGAGGT-3'
Protein context (NP_066924.1, residues 201-211): KPAPSSGKDY[Val211Met]